The following is an entry in ClinVar:

ClinVar aggregate classification (germline): Conflicting classifications of pathogenicity. Review status: criteria provided, conflicting classifications (1 of 4 stars). 6 submissions from 6 submitters: Uncertain significance (1); Likely benign (5). Last evaluated 2026-07-14.

Conditions:
Alport syndrome. Also called: Hemorrhagic familial nephritis; Hemorrhagic hereditary nephritis; Congenital hereditary hematuria. Identifiers: Orphanet 63, MedGen C1567741, MONDO:0018965.
COL4A4-related disorder.

Allele frequency attached by ClinVar (database versions not stated): gnomAD exomes 0.00013; ExAC 0.00017; 1000 Genomes Project 30x 0.00031; 1000 Genomes Project 0.00040; ESP Exome Variant Server 0.00051; gnomAD 0.00062 and 0.00073; TOPMed 0.00066.
gnomAD v4.1: 162 of 1,610,948 alleles (0.01%); highest among the groups gnomAD compares: African/African-American, 0.2%; no homozygotes.

Submissions (6):

PreventionGenetics, part of Exact Sciences
Classification: Likely benign for COL4A4-related condition. Last evaluated: 2026-07-14. Review status: criteria provided, single submitter. Criteria: ACMG Guidelines, 2015. Collection method: clinical testing. Allele origin: germline.
Comment: This variant is classified as likely benign based on ACMG/AMP sequence variant interpretation guidelines (Richards et al. 2015 PMID: 25741868, with internal and published modifications).

Labcorp Genetics (formerly Invitae), Labcorp
Classification: Likely benign. Last evaluated: 2026-01-16. Review status: criteria provided, single submitter. Criteria: Invitae Variant Classification Sherloc (09022015). Collection method: clinical testing. Allele origin: germline.

Blueprint Genetics
Classification: Likely benign. Last evaluated: 2024-09-23. Review status: criteria provided, single submitter. Criteria: ACMG Guidelines, 2015. Collection method: clinical testing. Allele origin: germline.

GeneDx
Classification: Likely benign. Last evaluated: 2019-04-25. Review status: criteria provided, single submitter. Criteria: GeneDx Variant Classification Process June 2021. Collection method: clinical testing. Allele origin: germline. Affected: yes.

Athena Diagnostics
Classification: Likely benign. Last evaluated: 2018-05-23. Review status: criteria provided, single submitter. Criteria: Athena Diagnostics Criteria. Collection method: clinical testing. Allele origin: germline.

Illumina Laboratory Services, Illumina
Classification: Uncertain significance for Alport syndrome. Last evaluated: 2018-01-12. Review status: criteria provided, single submitter. Criteria: ICSL Variant Classification Criteria 13 December 2019. Collection method: clinical testing. Allele origin: germline.

NM_000092.5(COL4A4):c.736-10T>G

Gene: COL4A4 (collagen type IV alpha 4 chain; minus strand). Cytogenetic location: 2q36.3.
Variant type: single nucleotide variant.
Coding change: c.736-10T>G on transcript NM_000092.5 (MANE Select); 10 bases into the intron before coding-DNA position 736, T replaced by G.
Molecular consequence: intron variant.
Genome position (GRCh38, 1-based): chr2:227,104,062, A>C on the plus strand (T>G on the coding strand, the complement: COL4A4 is on the minus strand). VCF-style: chr2-227104062-A-C. GRCh37 (hg19) VCF-style: chr2-227968778-A-C.
Identifiers: ClinVar variation 334736 (VCV000334736.20), dbSNP rs201175819, ClinGen allele CA2145444.